The following is an entry in ClinVar:

NM_004260.4(RECQL4):c.1650_1656del (p.Ala551fs)

Gene: RECQL4 (RecQ like helicase 4; minus strand). Cytogenetic location: 8q24.3.
Variant type: Deletion.
Coding change: c.1650_1656del on transcript NM_004260.4 (MANE Select); coding-DNA positions 1650 to 1656, 7 bases deleted (GGCCTGC; older notation c.1650_1656delGGCCTGC).
Protein change: p.Ala551fs; shifts the reading frame from alanine 551.
Molecular consequence: frameshift variant.
Genome position (GRCh38, 1-based): chr8:144,514,490-144,514,496, GCAGGCC deleted on the plus strand (GGCCTGC on the coding strand, the reverse complement: RECQL4 is on the minus strand); deleting any 7 consecutive bases within chr8:144,514,490-144,514,498 gives the same sequence; the c. name uses the placement nearest the transcript's 3' end. VCF-style (leftmost placement, unchanged base first): chr8-144514489-TGCAGGCC-T. GRCh37 (hg19) VCF-style: chr8-145739873-TGCAGGCC-T.
Other names: short protein forms A551fs.
Identifiers: ClinVar variation 6062 (VCV000006062.7), dbSNP rs786200887, ClinGen allele CA253749.

ClinVar aggregate classification (germline): Pathogenic. Review status: criteria provided, single submitter (1 of 4 stars). 2 submissions from 2 submitters: Pathogenic (1). 1 of the submissions does not count toward it. Last evaluated 2022-10-05.

Conditions:
Rothmund-Thomson syndrome type 2 (RTS2). Identifiers: Orphanet 221016, MedGen C5203410, MONDO:0016369, OMIM 268400.
Baller-Gerold syndrome (BGS). Also called: CRANIOSYNOSTOSIS WITH RADIAL DEFECTS. Identifiers: Orphanet 1225, MedGen C0265308, MONDO:0009039, OMIM 218600.

Submissions (2):

Labcorp Genetics (formerly Invitae), Labcorp
Classification: Pathogenic for Baller-Gerold syndrome. Last evaluated: 2022-10-05. Review status: criteria provided, single submitter. Criteria: Invitae Variant Classification Sherloc (09022015). Collection method: clinical testing. Allele origin: germline.
Comment: ClinVar contains an entry for this variant (Variation ID: 6062). This variant is also known as 1650del7. This premature translational stop signal has been observed in individual(s) with Rothmund-Thomson syndrome (PMID: 10319867). This variant is not present in population databases (gnomAD no frequency). This sequence change creates a premature translational stop signal (p.Ala551Tyrfs*5) in the RECQL4 gene. It is expected to result in an absent or disrupted protein product. Loss-of-function variants in RECQL4 are known to be pathogenic (PMID: 12734318, 12952869). For these reasons, this variant has been classified as Pathogenic.

OMIM
Classification: Pathogenic for ROTHMUND-THOMSON SYNDROME, TYPE 2. Last evaluated: 1999-05-01. Review status: no assertion criteria provided. Collection method: literature only. Allele origin: germline. Not counted in ClinVar's aggregate classification.

Literature cited by the submitters: PubMed 10319867 (cited by Labcorp Genetics (formerly Invitae), Labcorp and OMIM); PubMed 12734318 (cited by Labcorp Genetics (formerly Invitae), Labcorp); PubMed 12952869 (cited by Labcorp Genetics (formerly Invitae), Labcorp).